The following is an entry in ClinVar:

NM_006231.4(POLE):c.5750T>C (p.Met1917Thr)

Gene: POLE (DNA polymerase epsilon, catalytic subunit; minus strand). Cytogenetic location: 12q24.33.
Variant type: single nucleotide variant.
Coding change: c.5750T>C on transcript NM_006231.4 (MANE Select); coding-DNA position 5750, T replaced by C.
Protein change: p.Met1917Thr; replaces methionine 1917 with threonine.
Molecular consequence: missense variant.
Genome position (GRCh38, 1-based): chr12:132,635,953, A>G on the plus strand (T>C on the coding strand, the complement: POLE is on the minus strand). VCF-style: chr12-132635953-A-G. GRCh37 (hg19) VCF-style: chr12-133212539-A-G.
Other names: short protein forms M1917T.
Identifiers: ClinVar variation 1519924 (VCV001519924.6), dbSNP rs2138485907, ClinGen allele CA387373011.
Genomic context (GRCh38, chr12:132,635,953, plus strand): 5'-AGTCCACAGTGAATACGAGATGAAACTTTTCCTTTGATTCCGCCATAGTTAGATGGATCC[A>G]TCCAGAGAAGAAATTCCCAGCATCGAGAGAAAGAAATTGTCAGAGAATGGAAGGTCTCCT-3'
Protein context (NP_006222.2, residues 1907-1927): FSRCWEFLLW[Met1917Thr]DPSNYGGIKG

ClinVar aggregate classification (germline): Uncertain significance (1 of 4 stars; one submission).

Submission:

Labcorp Genetics (formerly Invitae), Labcorp
Classification: Uncertain significance. Last evaluated: 2021-09-18. Review status: criteria provided, single submitter. Criteria: Invitae Variant Classification Sherloc (09022015). Collection method: clinical testing. Allele origin: germline.
Comment: In summary, the available evidence is currently insufficient to determine the role of this variant in disease. Therefore, it has been classified as a Variant of Uncertain Significance. Algorithms developed to predict the effect of missense changes on protein structure and function (SIFT, PolyPhen-2, Align-GVGD) all suggest that this variant is likely to be disruptive. This variant has not been reported in the literature in individuals affected with POLE-related conditions. This variant is not present in population databases (ExAC no frequency). This sequence change replaces methionine with threonine at codon 1917 of the POLE protein (p.Met1917Thr). The methionine residue is highly conserved and there is a moderate physicochemical difference between methionine and threonine.